The following is an entry in ClinVar:

ClinVar aggregate classification (germline): Uncertain significance (1 of 4 stars; one submission).

Conditions:
LMAN1-related disorder. Also called: LMAN1-related condition.

Allele frequency attached by ClinVar (database versions not stated): TOPMed below 0.00001; ExAC 0.00003; gnomAD 0.00003; gnomAD exomes 0.00003.
gnomAD v4.1: 44 of 1,599,178 alleles (0.0028%); highest among the groups gnomAD compares: Non-Finnish European, 0.0037%; no homozygotes.

Submission:

PreventionGenetics, part of Exact Sciences
Classification: Uncertain significance for LMAN1-related condition. Last evaluated: 2022-08-22. Review status: criteria provided, single submitter. Criteria: ACMG Guidelines, 2015. Collection method: clinical testing. Allele origin: germline.
Comment: The LMAN1 c.477+3A>G variant is predicted to interfere with splicing. To our knowledge, this variant has not been reported in the literature. This variant is reported in 0.0032% of alleles in individuals of European (Non-Finnish) descent in gnomAD. At this time, the clinical significance of this variant is uncertain due to the absence of conclusive functional and genetic evidence.

NM_005570.4(LMAN1):c.477+3A>G

Gene: LMAN1 (lectin, mannose binding 1; minus strand). Cytogenetic location: 18q21.32.
Variant type: single nucleotide variant.
Coding change: c.477+3A>G on transcript NM_005570.4 (MANE Select); 3 bases into the intron after coding-DNA position 477, A replaced by G.
Molecular consequence: intron variant.
Genome position (GRCh38, 1-based): chr18:59,355,310, T>C on the plus strand (A>G on the coding strand, the complement: LMAN1 is on the minus strand). VCF-style: chr18-59355310-T-C. GRCh37 (hg19) VCF-style: chr18-57022542-T-C.
Identifiers: ClinVar variation 2634115 (VCV002634115.1), dbSNP rs775205769, ClinGen allele CA8979974.